The following is an entry in ClinVar:

NM_001370259.2(MEN1):c.235C>T (p.Pro79Ser)

Gene: MEN1 (menin 1; minus strand). Cytogenetic location: 11q13.1.
Variant type: single nucleotide variant.
Coding change: c.235C>T on transcript NM_001370259.2 (MANE Select); coding-DNA position 235, C replaced by T.
Protein change: p.Pro79Ser; replaces proline 79 with serine.
Molecular consequence: missense variant. On other transcripts: non-coding transcript variant (4).
Genome position (GRCh38, 1-based): chr11:64,809,875, G>A on the plus strand (C>T on the coding strand, the complement: MEN1 is on the minus strand). VCF-style: chr11-64809875-G-A. GRCh37 (hg19) VCF-style: chr11-64577347-G-A.
Other names: c.235C>T, p.Pro79Ser (NM_130804.3, NM_000244.4, NM_001370251.2 and 20 more transcripts); short protein forms P79S.
Identifiers: ClinVar variation 3394947 (VCV003394947.3).

ClinVar aggregate classification (germline): Uncertain significance. Review status: criteria provided, multiple submitters, no conflicts (2 of 4 stars). 2 submissions from 2 submitters: Uncertain significance (2). Last evaluated 2024-08-04.

Conditions:
Hereditary cancer-predisposing syndrome. Also called: Hereditary Cancer Syndrome; Hereditary neoplastic syndrome; Neoplastic Syndromes, Hereditary; Tumor predisposition. Identifiers: Orphanet 140162, MedGen C0027672, MeSH D009386, MONDO:0015356.
Multiple endocrine neoplasia, type 1 (MEN1). Also called: MEN I; WERMER SYNDROME; Endocrine adenomatosis multiple; MEN 1; MEA I. Identifiers: Orphanet 652, MedGen C0025267, MeSH D018761, MONDO:0007540, OMIM 131100.

Submissions (2):

Labcorp Genetics (formerly Invitae), Labcorp
Classification: Uncertain significance for Multiple endocrine neoplasia, type 1. Last evaluated: 2024-08-04. Review status: criteria provided, single submitter. Criteria: Invitae Variant Classification Sherloc (09022015). Collection method: clinical testing. Allele origin: germline.
Comment: This sequence change replaces proline, which is neutral and non-polar, with serine, which is neutral and polar, at codon 79 of the MEN1 protein (p.Pro79Ser). This variant is not present in population databases (gnomAD no frequency). This variant has not been reported in the literature in individuals affected with MEN1-related conditions. Advanced modeling of protein sequence and biophysical properties (such as structural, functional, and spatial information, amino acid conservation, physicochemical variation, residue mobility, and thermodynamic stability) performed at Invitae indicates that this missense variant is expected to disrupt MEN1 protein function with a positive predictive value of 95%. In summary, the available evidence is currently insufficient to determine the role of this variant in disease. Therefore, it has been classified as a Variant of Uncertain Significance.

Ambry Genetics
Classification: Uncertain significance for Hereditary cancer-predisposing syndrome. Last evaluated: 2024-07-31. Review status: criteria provided, single submitter. Criteria: Ambry Variant Classification Scheme 2023. Collection method: clinical testing. Allele origin: germline.
Comment: The p.P79S variant (also known as c.235C>T), located in coding exon 1 of the MEN1 gene, results from a C to T substitution at nucleotide position 235. The proline at codon 79 is replaced by serine, an amino acid with similar properties. This amino acid position is highly conserved in available vertebrate species. In addition, this alteration is predicted to be deleterious by in silico analysis. Based on the available evidence, the clinical significance of this variant remains unclear.